The following is an entry in ClinVar:

NM_006231.4(POLE):c.299A>T (p.Tyr100Phe)

Gene: POLE (DNA polymerase epsilon, catalytic subunit; minus strand). Cytogenetic location: 12q24.33.
Variant type: single nucleotide variant.
Coding change: c.299A>T on transcript NM_006231.4 (MANE Select); coding-DNA position 299, A replaced by T.
Protein change: p.Tyr100Phe; replaces tyrosine 100 with phenylalanine.
Molecular consequence: missense variant.
Genome position (GRCh38, 1-based): chr12:132,680,209, T>A on the plus strand (A>T on the coding strand, the complement: POLE is on the minus strand). VCF-style: chr12-132680209-T-A. GRCh37 (hg19) VCF-style: chr12-133256795-T-A.
Other names: c.299A>T (NM_006231.2); short protein forms Y100F.
Identifiers: ClinVar variation 2905161 (VCV002905161.4), dbSNP rs201279820, ClinGen allele CA6894369.

ClinVar aggregate classification (germline): Uncertain significance. Review status: criteria provided, multiple submitters, no conflicts (2 of 4 stars). 2 submissions from 2 submitters: Uncertain significance (2). Last evaluated 2026-02-28.

Conditions:
Hereditary cancer-predisposing syndrome. Also called: Tumor predisposition; Neoplastic Syndromes, Hereditary; Hereditary Cancer Syndrome; Hereditary neoplastic syndrome. Identifiers: Orphanet 140162, MedGen C0027672, MeSH D009386, MONDO:0015356.

Allele frequency attached by ClinVar (database versions not stated): ExAC 0.00001; 1000 Genomes Project 30x 0.00016; 1000 Genomes Project 0.00020.
gnomAD v4.1: 1 of 1,614,112 alleles (0.000062%); highest among the groups gnomAD compares: East Asian, 0.0022%; no homozygotes.

Submissions (2):

Ambry Genetics
Classification: Uncertain significance for Hereditary cancer-predisposing syndrome. Last evaluated: 2026-02-28. Review status: criteria provided, single submitter. Criteria: Ambry Variant Classification Scheme 2023. Collection method: clinical testing. Allele origin: germline.
Comment: The p.Y100F variant (also known as c.299A>T), located in coding exon 4 of the POLE gene, results from an A to T substitution at nucleotide position 299. The tyrosine at codon 100 is replaced by phenylalanine, an amino acid with highly similar properties. This amino acid position is conserved. In addition, this alteration is predicted to be tolerated by in silico analysis. Based on the available evidence, the clinical significance of this variant remains unclear.

Labcorp Genetics (formerly Invitae), Labcorp
Classification: Uncertain significance. Last evaluated: 2023-07-30. Review status: criteria provided, single submitter. Criteria: Invitae Variant Classification Sherloc (09022015). Collection method: clinical testing. Allele origin: germline.
Comment: This sequence change replaces tyrosine, which is neutral and polar, with phenylalanine, which is neutral and non-polar, at codon 100 of the POLE protein (p.Tyr100Phe). This variant is not present in population databases (gnomAD no frequency). This variant has not been reported in the literature in individuals affected with POLE-related conditions. Advanced modeling of protein sequence and biophysical properties (such as structural, functional, and spatial information, amino acid conservation, physicochemical variation, residue mobility, and thermodynamic stability) performed at Invitae indicates that this missense variant is not expected to disrupt POLE protein function. In summary, the available evidence is currently insufficient to determine the role of this variant in disease. Therefore, it has been classified as a Variant of Uncertain Significance.